The following is an entry in ClinVar:

ClinVar aggregate classification (germline): Likely benign. Review status: criteria provided, multiple submitters, no conflicts (2 of 4 stars). 3 submissions from 3 submitters: Likely benign (2). 1 of the submissions does not count toward it. Last evaluated 2026-01-24.

Conditions:
Metachromatic leukodystrophy (MLD). Also called: METACHROMATIC LEUKOENCEPHALOPATHY; Cerebral sclerosis diffuse metachromatic form; ARSA DEFICIENCY; Arylsulfatase A Deficiency; CEREBROSIDE SULFATASE DEFICIENCY; SULFATIDE LIPIDOSIS. Identifiers: Orphanet 512, MedGen C0023522, MONDO:0018868, OMIM 250100.
ARSA-related disorder. Also called: ARSA-related condition.

Allele frequency attached by ClinVar (database versions not stated): gnomAD below 0.00001 and 0.00016; TOPMed 0.00002; gnomAD exomes 0.00027 and 0.00061; ExAC 0.00060; 1000 Genomes Project 0.00140; 1000 Genomes Project 30x 0.00172.

Submissions (3):

Labcorp Genetics (formerly Invitae), Labcorp
Classification: Likely benign for Metachromatic leukodystrophy. Last evaluated: 2026-01-24. Review status: criteria provided, single submitter. Criteria: Invitae Variant Classification Sherloc (09022015). Collection method: clinical testing. Allele origin: germline.

PreventionGenetics, part of Exact Sciences
Classification: Likely benign for ARSA-related condition. Last evaluated: 2025-05-27. Review status: criteria provided, single submitter. Criteria: ACMG Guidelines, 2015. Collection method: clinical testing. Allele origin: germline.
Comment: This variant is classified as likely benign based on ACMG/AMP sequence variant interpretation guidelines (Richards et al. 2015 PMID: 25741868, with internal and published modifications).

Natera, Inc.
Classification: Benign for Metachromatic leukodystrophy. Last evaluated: 2020-04-30. Review status: no assertion criteria provided. Collection method: clinical testing. Allele origin: germline. Not counted in ClinVar's aggregate classification.

NM_000487.6(ARSA):c.530G>A (p.Gly177Asp)

Gene: ARSA (arylsulfatase A; minus strand). Cytogenetic location: 22q13.33.
Variant type: single nucleotide variant.
Coding change: c.530G>A on transcript NM_000487.6 (MANE Select); coding-DNA position 530, G replaced by A.
Protein change: p.Gly177Asp; replaces glycine 177 with aspartic acid.
Molecular consequence: missense variant.
Genome position (GRCh38, 1-based): chr22:50,626,988, C>T on the plus strand (G>A on the coding strand, the complement: ARSA is on the minus strand). VCF-style: chr22-50626988-C-T. GRCh37 (hg19) VCF-style: chr22-51065416-C-T.
Other names: c.530G>A, p.Gly177Asp (NM_001085425.3, NM_001085426.3, NM_001085427.3); c.272G>A, p.Gly91Asp (NM_001085428.3, NM_001362782.2); short protein forms G177D, G91D.
Identifiers: ClinVar variation 728277 (VCV000728277.14), dbSNP rs556812341, ClinGen allele CA10324985.